The following is an entry in ClinVar:

ClinVar aggregate classification (germline): Uncertain significance (1 of 4 stars; one submission).

Conditions:
Acromesomelic dysplasia 1, Maroteaux type (AMD1). Also called: ST. HELENA DYSPLASIA; ACROMESOMELIC DYSPLASIA 1. Identifiers: Orphanet 40, MedGen C1864356, MONDO:0011275, OMIM 602875.
Tall stature-scoliosis-macrodactyly of the great toes syndrome. Also called: Epiphyseal chondrodysplasia, miura type. Identifiers: Orphanet 329191, MedGen C4014690, MONDO:0014401, OMIM 615923.

Allele frequency attached by ClinVar (database versions not stated): gnomAD exomes below 0.00001 and 0.00001; TOPMed below 0.00001; ExAC 0.00001; gnomAD 0.00001.
gnomAD v4.1: 3 of 1,613,772 alleles (0.00019%); highest among the groups gnomAD compares: East Asian, 0.0067%; no homozygotes.

Submission:

Labcorp Genetics (formerly Invitae), Labcorp
Classification: Uncertain significance for Tall stature-scoliosis-macrodactyly of the great toes syndrome; Acromesomelic dysplasia 1, Maroteaux type. Last evaluated: 2022-02-03. Review status: criteria provided, single submitter. Criteria: Invitae Variant Classification Sherloc (09022015). Collection method: clinical testing. Allele origin: germline.
Comment: In summary, the available evidence is currently insufficient to determine the role of this variant in disease. Therefore, it has been classified as a Variant of Uncertain Significance. Algorithms developed to predict the effect of missense changes on protein structure and function are either unavailable or do not agree on the potential impact of this missense change (SIFT: "Deleterious"; PolyPhen-2: "Benign"; Align-GVGD: "Class C25"). ClinVar contains an entry for this variant (Variation ID: 972076). This variant has not been reported in the literature in individuals affected with NPR2-related conditions. This variant is present in population databases (rs758564951, gnomAD 0.01%). This sequence change replaces leucine, which is neutral and non-polar, with valine, which is neutral and non-polar, at codon 400 of the NPR2 protein (p.Leu400Val).

NM_003995.4(NPR2):c.1198C>G (p.Leu400Val)

Gene: NPR2 (natriuretic peptide receptor 2; plus strand). Cytogenetic location: 9p13.3.
Variant type: single nucleotide variant.
Coding change: c.1198C>G on transcript NM_003995.4 (MANE Select); coding-DNA position 1198, C replaced by G.
Protein change: p.Leu400Val; replaces leucine 400 with valine.
Molecular consequence: missense variant.
Genome position (GRCh38, 1-based): chr9:35,800,463, C>G. VCF-style: chr9-35800463-C-G. GRCh37 (hg19) VCF-style: chr9-35800460-C-G.
Other names: c.1198C>G, p.Leu400Val (NM_001378923.1); short protein forms L400V.
Identifiers: ClinVar variation 972076 (VCV000972076.10), dbSNP rs758564951, ClinGen allele CA5051626.
Genomic context (GRCh38, chr9:35,800,463, plus strand): 5'-GTTGTCATGGACAAGAACAATGACCGAGAGACTGACTTTGTCCTCTGGGCCATGGGAGAC[C>G]TGGATTCTGGGGACTTTCAGGTGATGGAGGAGGAGGCAGGGAAGAGAGTGTGGCCCTGCA-3'
Protein context (NP_003986.2, residues 390-410): TDFVLWAMGD[Leu400Val]DSGDFQPAAH